The following is an entry in ClinVar:

ClinVar aggregate classification (germline): Conflicting classifications of pathogenicity. Review status: criteria provided, conflicting classifications (1 of 4 stars). 5 submissions from 3 submitters: Uncertain significance (3); Benign (1); Likely benign (1). Last evaluated 2025-09-10.

Conditions:
Cerebrooculofacioskeletal syndrome 1 (COFS1). Also called: Cerebro-oculo-facio-skeletal syndrome 1. Identifiers: MedGen C0220722, MONDO:0008955, OMIM 214150.
Age related macular degeneration 5. Identifiers: MedGen C3151063, MONDO:0013409, OMIM 613761.
Cockayne syndrome type 2 (CSB). Also called: COCKAYNE SYNDROME B; Cockayne Syndrome, Type II. Identifiers: Orphanet 191, Orphanet 90322, MedGen C0751038, MONDO:0019570, OMIM 133540.

Allele frequency attached by ClinVar (database versions not stated): 1000 Genomes Project 0.00200; 1000 Genomes Project 30x 0.00203; TOPMed 0.00419; gnomAD 0.00436 and 0.00448.

Submissions (5):

Genomic Medicine Center of Excellence, King Faisal Specialist Hospital and Research Centre
Classification: Uncertain significance for Cockayne syndrome type 2. Last evaluated: 2025-09-10. Review status: criteria provided, single submitter. Criteria: ACMG Guidelines, 2015. Collection method: clinical testing. Allele origin: germline.

CeGaT Center for Human Genetics Tuebingen
Classification: Benign. Last evaluated: 2023-03-01. Review status: criteria provided, single submitter. Criteria: CeGaT Center For Human Genetics Tuebingen Variant Classification Criteria Version 2. Collection method: clinical testing. Allele origin: germline. Affected: yes. Observed: 2 variant alleles.
Comment: ERCC6: BS1, BS2

Illumina Laboratory Services, Illumina
Classification: Likely benign for Age related macular degeneration 5. Last evaluated: 2018-01-12. Review status: criteria provided, single submitter. Criteria: ICSL Variant Classification Criteria 13 December 2019. Collection method: clinical testing. Allele origin: germline.
Comment: This variant was observed in the ICSL laboratory as part of a predisposition screen in an ostensibly healthy population. It had not been previously curated by ICSL or reported in the Human Gene Mutation Database (HGMD: prior to June 1st, 2018), and was therefore a candidate for classification through an automated scoring system. Utilizing variant allele frequency, disease prevalence and penetrance estimates, and inheritance mode, an automated score was calculated to assess if this variant is too frequent to cause the disease. Based on the score and internal cut-off values, a variant classified as likely benign is not then subjected to further curation. The score for this variant resulted in a classification of likely benign for this disease.

Illumina Laboratory Services, Illumina
Classification: Uncertain significance for Cerebrooculofacioskeletal syndrome 1. Last evaluated: 2018-01-12. Review status: criteria provided, single submitter. Criteria: ICSL Variant Classification Criteria 13 December 2019. Collection method: clinical testing. Allele origin: germline.

Illumina Laboratory Services, Illumina
Classification: Uncertain significance for Cockayne syndrome type 2. Last evaluated: 2018-01-12. Review status: criteria provided, single submitter. Criteria: ICSL Variant Classification Criteria 13 December 2019. Collection method: clinical testing. Allele origin: germline.

NM_000124.4(ERCC6):c.*2766T>G

Gene: ERCC6 (ERCC excision repair 6, chromatin remodeling factor; minus strand). Cytogenetic location: 10q11.23.
Variant type: single nucleotide variant.
Coding change: c.*2766T>G on transcript NM_000124.4 (MANE Select); 2766 bases downstream of the stop codon, T replaced by G.
Molecular consequence: 3 prime UTR variant.
Genome position (GRCh38, 1-based): chr10:49,456,049, A>C on the plus strand (T>G on the coding strand, the complement: ERCC6 is on the minus strand). VCF-style: chr10-49456049-A-C. GRCh37 (hg19) VCF-style: chr10-50664095-A-C.
Other names: c.*2766T>G (NM_001346440.2).
Identifiers: ClinVar variation 878034 (VCV000878034.29), dbSNP rs141121035, ClinGen allele CA206612845.